The following is an entry in ClinVar:

ClinVar aggregate classification (germline): Benign/Likely benign. Review status: criteria provided, single submitter (1 of 4 stars). 3 submissions from 1 submitter: Benign (2); Likely benign (1). Last evaluated 2018-01-13.

Conditions:
Channelopathy-associated congenital insensitivity to pain, autosomal recessive. Also called: Insensitivity to pain, channelopathy-associated; ASYMBOLIA FOR PAIN; CONGENITAL ANALGESIA, AUTOSOMAL RECESSIVE. Identifiers: Orphanet 88642, Orphanet 970, MedGen C1855739, MONDO:0009459, OMIM 243000.
Paroxysmal extreme pain disorder (PEXPD). Also called: PAIN, SUBMANDIBULAR, OCULAR, AND RECTAL, WITH FLUSHING; RECTAL PAIN, FAMILIAL; SCN9A Paroxysmal Extreme Pain Disorder (SCN9A-PEPD). Identifiers: Orphanet 46348, MedGen C1833661, MONDO:0008179, OMIM 167400.
Primary erythromelalgia. Also called: SCN9A Erythromelalgia (SCN9A-EM); primary erythermalgia. Identifiers: Orphanet 306577, Orphanet 90026, MedGen C0014805, MONDO:0007571, OMIM 133020.

Allele frequency attached by ClinVar (database versions not stated): gnomAD 0.00038 and 0.00039; TOPMed 0.00051; 1000 Genomes Project 30x 0.00078; 1000 Genomes Project 0.00100.

Submissions (3):

Illumina Laboratory Services, Illumina
Classification: Likely benign for Channelopathy-associated congenital insensitivity to pain, autosomal recessive. Last evaluated: 2018-01-13. Review status: criteria provided, single submitter. Criteria: ICSL Variant Classification Criteria 13 December 2019. Collection method: clinical testing. Allele origin: germline.
Comment: This variant was observed in the ICSL laboratory as part of a predisposition screen in an ostensibly healthy population. It had not been previously curated by ICSL or reported in the Human Gene Mutation Database (HGMD: prior to June 1st, 2018), and was therefore a candidate for classification through an automated scoring system. Utilizing variant allele frequency, disease prevalence and penetrance estimates, and inheritance mode, an automated score was calculated to assess if this variant is too frequent to cause the disease. Based on the score and internal cut-off values, a variant classified as likely benign is not then subjected to further curation. The score for this variant resulted in a classification of likely benign for this disease.

Illumina Laboratory Services, Illumina
Classification: Benign for Paroxysmal extreme pain disorder. Last evaluated: 2018-01-13. Review status: criteria provided, single submitter. Criteria: ICSL Variant Classification Criteria 13 December 2019. Collection method: clinical testing. Allele origin: germline.
Comment: This variant was observed in the ICSL laboratory as part of a predisposition screen in an ostensibly healthy population. It had not been previously curated by ICSL or reported in the Human Gene Mutation Database (HGMD: prior to June 1st, 2018), and was therefore a candidate for classification through an automated scoring system. Utilizing variant allele frequency, disease prevalence and penetrance estimates, and inheritance mode, an automated score was calculated to assess if this variant is too frequent to cause the disease. Based on the score and internal cut-off values, a variant classified as benign is not then subjected to further curation. The score for this variant resulted in a classification of benign for this disease.

Illumina Laboratory Services, Illumina
Classification: Benign for Primary erythromelalgia. Last evaluated: 2018-01-13. Review status: criteria provided, single submitter. Criteria: ICSL Variant Classification Criteria 13 December 2019. Collection method: clinical testing. Allele origin: germline.
Comment: the same text as in the submission from Illumina Laboratory Services, Illumina above.

NM_001365536.1(SCN9A):c.*3317A>G

Genes: SCN1A-AS1 (SCN1A and SCN9A antisense RNA 1; plus strand), SCN9A (sodium voltage-gated channel alpha subunit 9; minus strand). Cytogenetic location: 2q24.3.
Variant type: single nucleotide variant.
Coding change: c.*3317A>G on transcript NM_001365536.1 (MANE Select); 3317 bases downstream of the stop codon, A replaced by G.
Molecular consequence: 3 prime UTR variant.
Genome position (GRCh38, 1-based): chr2:166,195,355, T>C on the plus strand (A>G on the coding strand, the complement: SCN9A is on the minus strand). VCF-style: chr2-166195355-T-C. GRCh37 (hg19) VCF-style: chr2-167051865-T-C.
Other names: c.*3317A>G (NM_002977.4).
Identifiers: ClinVar variation 331896 (VCV000331896.6), dbSNP rs191667986, ClinGen allele CA10612760.